The following is an entry in ClinVar:

ClinVar aggregate classification (germline): Benign (0 of 4 stars; one submission).

Conditions:
THSD1-related disorder. Also called: THSD1-related condition.

gnomAD v4.1: 81,661 of 1,614,074 alleles (5.1%); highest among the groups gnomAD compares: African/African-American, 8.7%; 2,340 homozygotes.

Submission:

PreventionGenetics, part of Exact Sciences
Classification: Benign for THSD1-related condition. Last evaluated: 2024-07-23. Review status: no assertion criteria provided. Collection method: clinical testing. Allele origin: germline.
Comment: This variant is classified as benign based on ACMG/AMP sequence variant interpretation guidelines (Richards et al. 2015 PMID: 25741868, with internal and published modifications).

NM_018676.4(THSD1):c.670C>G (p.Arg224Gly)

Gene: THSD1 (thrombospondin type 1 domain containing 1; minus strand). Cytogenetic location: 13q14.3.
Variant type: single nucleotide variant.
Coding change: c.670C>G on transcript NM_018676.4 (MANE Select); coding-DNA position 670, C replaced by G.
Protein change: p.Arg224Gly; replaces arginine 224 with glycine.
Molecular consequence: missense variant.
Genome position (GRCh38, 1-based): chr13:52,397,583, G>C on the plus strand (C>G on the coding strand, the complement: THSD1 is on the minus strand). VCF-style: chr13-52397583-G-C. GRCh37 (hg19) VCF-style: chr13-52971718-G-C.
Other names: c.670C>G, p.Arg224Gly (NM_199263.3); short protein forms R224G.
Identifiers: ClinVar variation 3352968 (VCV003352968.1).